The following is an entry in ClinVar:

NM_016239.4(MYO15A):c.5197C>T (p.Arg1733Trp)

Gene: MYO15A (myosin XVA; plus strand). Cytogenetic location: 17p11.2.
Variant type: single nucleotide variant.
Coding change: c.5197C>T on transcript NM_016239.4 (MANE Select); coding-DNA position 5197, C replaced by T.
Protein change: p.Arg1733Trp; replaces arginine 1733 with tryptophan.
Molecular consequence: missense variant.
Genome position (GRCh38, 1-based): chr17:18,139,597, C>T. VCF-style: chr17-18139597-C-T. GRCh37 (hg19) VCF-style: chr17-18042911-C-T.
Other names: short protein forms R1733W.
Identifiers: ClinVar variation 624114 (VCV000624114.46), dbSNP rs369755064, ClinGen allele CA8424176.

ClinVar aggregate classification (germline): Uncertain significance. Review status: criteria provided, multiple submitters, no conflicts (2 of 4 stars). 3 submissions from 3 submitters: Uncertain significance (3). Last evaluated 2024-07-22.

Conditions:
Inborn genetic diseases. Identifiers: MedGen C0950123, MeSH D030342.

Allele frequency attached by ClinVar (database versions not stated): TOPMed 0.00001.
gnomAD v4.1: 62 of 1,613,890 alleles (0.0038%); highest among the groups gnomAD compares: Middle Eastern, 0.016%; no homozygotes.

Submissions (3):

Ambry Genetics
Classification: Uncertain significance for Inborn genetic diseases. Last evaluated: 2024-07-22. Review status: criteria provided, single submitter. Criteria: Ambry Variant Classification Scheme 2023. Collection method: clinical testing. Allele origin: germline.

GeneDx
Classification: Uncertain significance. Last evaluated: 2019-11-18. Review status: criteria provided, single submitter. Criteria: GeneDx Variant Classification Process June 2021. Collection method: clinical testing. Allele origin: germline. Affected: yes.
Comment: In silico analysis, which includes protein predictors and evolutionary conservation, supports a deleterious effect; Has not been previously published as pathogenic or benign to our knowledge

CeGaT Center for Human Genetics Tuebingen
Classification: Uncertain significance. Last evaluated: 2018-07-01. Review status: criteria provided, single submitter. Criteria: CeGaT Center For Human Genetics Tuebingen Variant Classification Criteria Version 2. Collection method: clinical testing. Allele origin: germline. Affected: yes. Observed: 1 variant allele.